The following is an entry in ClinVar:

ClinVar aggregate classification (germline): Uncertain significance (1 of 4 stars; one submission).

Conditions:
SEMA5A-related disorder. Also called: SEMA5A-related condition.

Submission:

PreventionGenetics, part of Exact Sciences
Classification: Uncertain significance for SEMA5A-related condition. Last evaluated: 2025-02-11. Review status: criteria provided, single submitter. Criteria: ACMG Guidelines, 2015. Collection method: clinical testing. Allele origin: germline.
Comment: The SEMA5A c.932+6T>G variant is predicted to interfere with splicing. To our knowledge, this variant has not been reported in the literature or in a large population database (gnomAD), indicating this variant is rare. At this time, the clinical significance of this variant is uncertain due to the absence of conclusive functional and genetic evidence.

NM_003966.3(SEMA5A):c.932+6T>G

Gene: SEMA5A (semaphorin 5A; minus strand). Cytogenetic location: 5p15.31.
Variant type: single nucleotide variant.
Coding change: c.932+6T>G on transcript NM_003966.3 (MANE Select); 6 bases into the intron after coding-DNA position 932, T replaced by G.
Molecular consequence: intron variant.
Genome position (GRCh38, 1-based): chr5:9,201,949, A>C on the plus strand (T>G on the coding strand, the complement: SEMA5A is on the minus strand). VCF-style: chr5-9201949-A-C. GRCh37 (hg19) VCF-style: chr5-9202061-A-C.
Identifiers: ClinVar variation 4999377 (VCV004999377.1).